The following is an entry in ClinVar:

NM_000445.5(PLEC):c.26G>A (p.Arg9Gln)

Gene: PLEC (plectin; minus strand). Cytogenetic location: 8q24.3.
Variant type: single nucleotide variant.
Coding change: c.26G>A on transcript NM_000445.5; coding-DNA position 26, G replaced by A.
Protein change: p.Arg9Gln; replaces arginine 9 with glutamine.
Molecular consequence: missense variant.
Genome position (GRCh38, 1-based): chr8:143,975,344, C>T on the plus strand (G>A on the coding strand, the complement: PLEC is on the minus strand). VCF-style: chr8-143975344-C-T. GRCh37 (hg19) VCF-style: chr8-145049512-C-T.
Other names: p.Arg9Gln; c.26G>A, p.Arg9Gln (NM_001410941.1); short protein forms R9Q.
Identifiers: ClinVar variation 471557 (VCV000471557.14), dbSNP rs138978753, ClinGen allele CA4929184.
Genomic context (GRCh38, chr8:143,975,344, plus strand): 5'-AGTGTGTCCCCAGGGCTGGGCGAGCCACTGCTTCCATTGGAGACATCTTCAGAGACTGCC[C>T]GGACCTCAGCGTCCTCACCCGACATGGCCTCCTGGAAGGGGAGCAGGAGGGGTCACATCT-3'

ClinVar aggregate classification (germline): Benign. Review status: criteria provided, multiple submitters, no conflicts (2 of 4 stars). 5 submissions from 5 submitters: Benign (5). Last evaluated 2026-01-26.

Conditions:
Epidermolysis bullosa simplex 5B, with muscular dystrophy (EBS5B). Also called: EPIDERMOLYSIS BULLOSA SIMPLEX AND LIMB-GIRDLE MUSCULAR DYSTROPHY; Epidermolysis bullosa simplex with muscular dystrophy. Identifiers: Orphanet 257, MedGen C2931072, MONDO:0009181, OMIM 226670.
Epidermolysis bullosa simplex with nail dystrophy (EBS5D). Identifiers: MedGen C4225309, MONDO:0014661, OMIM 616487.
Epidermolysis bullosa simplex, Ogna type (EBS5A). Also called: Pidermolysis bullosa simplex 5A, Ogna type; EPIDERMOLYSIS BULLOSA SIMPLEX 5A, OGNA TYPE. Identifiers: Orphanet 79401, MedGen C0432317, MONDO:0007555, OMIM 131950.
Epidermolysis bullosa simplex 5C, with pyloric atresia (EBS5C). Also called: PLEC-Related Epidermolysis Bullosa with Pyloric Atresia; Epidermolysis bullosa simplex with pyloric atresia; PLEC1-Related Epidermolysis Bullosa with Pyloric Atresia. Identifiers: Orphanet 158684, MedGen C2677349, MONDO:0012807, OMIM 612138.
Autosomal recessive limb-girdle muscular dystrophy type 2Q (LGMDR17). Also called: MUSCULAR DYSTROPHY, LIMB-GIRDLE, AUTOSOMAL RECESSIVE 17. Identifiers: Orphanet 254361, MedGen C3150989, MONDO:0013390, OMIM 613723.

Allele frequency attached by ClinVar (database versions not stated): gnomAD exomes 0.00045 and 0.00115; ESP Exome Variant Server 0.00452; gnomAD 0.00470 and 0.00437; TOPMed 0.00486; 1000 Genomes Project 30x 0.00531; 1000 Genomes Project 0.00559; ExAC 0.00148.
gnomAD v4.1: 1,364 of 1,610,290 alleles (0.085%); highest among the groups gnomAD compares: African/African-American, 1.6%; 8 homozygotes.

Submissions (5):

Labcorp Genetics (formerly Invitae), Labcorp
Classification: Benign for Autosomal recessive limb-girdle muscular dystrophy type 2Q; Epidermolysis bullosa simplex, Ogna type; Epidermolysis bullosa simplex with nail dystrophy; Epidermolysis bullosa simplex 5C, with pyloric atresia; Epidermolysis bullosa simplex 5B, with muscular dystrophy. Last evaluated: 2026-01-26. Review status: criteria provided, single submitter. Criteria: Invitae Variant Classification Sherloc (09022015). Collection method: clinical testing. Allele origin: germline.

Mayo Clinic Laboratories, Mayo Clinic
Classification: Benign. Last evaluated: 2018-10-12. Review status: criteria provided, single submitter. Criteria: ACMG Guidelines, 2015. Collection method: clinical testing. Allele origin: germline. Observed: 5 variant alleles.

GeneDx
Classification: Benign. Last evaluated: 2018-02-16. Review status: criteria provided, single submitter. Criteria: GeneDx Variant Classification (06012015). Collection method: clinical testing. Allele origin: germline. Affected: yes.
Comment: This variant is considered likely benign or benign based on one or more of the following criteria: it is a conservative change, it occurs at a poorly conserved position in the protein, it is predicted to be benign by multiple in silico algorithms, and/or has population frequency not consistent with disease.

Athena Diagnostics
Classification: Benign. Last evaluated: 2017-11-10. Review status: criteria provided, single submitter. Criteria: Athena Diagnostics Criteria. Collection method: clinical testing. Allele origin: germline.

Breakthrough Genomics
Classification: Benign. Review status: criteria provided, single submitter. Criteria: ACMG Guidelines, 2015. Collection method: not provided. Allele origin: germline. Inheritance: Autosomal recessive inheritance. Affected: yes.